The following is an entry in ClinVar:

NM_012233.3(RAB3GAP1):c.2290-17C>T

Gene: RAB3GAP1 (RAB3 GTPase activating protein catalytic subunit 1; plus strand). Cytogenetic location: 2q21.3.
Variant type: single nucleotide variant.
Coding change: c.2290-17C>T on transcript NM_012233.3 (MANE Select); 17 bases into the intron before coding-DNA position 2290, C replaced by T.
Molecular consequence: intron variant.
Genome position (GRCh38, 1-based): chr2:135,162,538, C>T. VCF-style: chr2-135162538-C-T. GRCh37 (hg19) VCF-style: chr2-135920108-C-T.
Other names: c.2290-17C>T (NM_001172435.2).
Identifiers: ClinVar variation 138860 (VCV000138860.14), dbSNP rs56786863, ClinGen allele CA201793.

ClinVar aggregate classification (germline): Benign. Review status: criteria provided, multiple submitters, no conflicts (2 of 4 stars). 5 submissions from 5 submitters: Benign (5). Last evaluated 2026-02-01.

Allele frequency attached by ClinVar (database versions not stated): gnomAD exomes 0.03463 and 0.02248; 1000 Genomes Project 30x 0.05949; gnomAD 0.06113 and 0.06414; 1000 Genomes Project 0.05771; TOPMed 0.06688; ExAC 0.04927; ESP Exome Variant Server 0.06297.
gnomAD v4.1: 42,118 of 1,590,360 alleles (2.6%); highest among the groups gnomAD compares: African/African-American, 15%; 1,430 homozygotes.

Submissions (5):

Labcorp Genetics (formerly Invitae), Labcorp
Classification: Benign. Last evaluated: 2026-02-01. Review status: criteria provided, single submitter. Criteria: Invitae Variant Classification Sherloc (09022015). Collection method: clinical testing. Allele origin: germline.

Eurofins Ntd Llc (ga)
Classification: Benign. Last evaluated: 2015-04-15. Review status: criteria provided, single submitter. Criteria: EGL Classification Definitions 2015. Collection method: clinical testing. Allele origin: germline. Observed: 1 variant allele, 1 homozygote.

GeneDx
Classification: Benign. Last evaluated: 2014-01-13. Review status: criteria provided, single submitter. Criteria: GeneDx Variant Classification (06012015). Collection method: clinical testing. Allele origin: germline. Affected: yes.
Comment: This variant is considered likely benign or benign based on one or more of the following criteria: it is a conservative change, it occurs at a poorly conserved position in the protein, it is predicted to be benign by multiple in silico algorithms, and/or has population frequency not consistent with disease.

Breakthrough Genomics
Classification: Benign. Review status: criteria provided, single submitter. Criteria: ACMG Guidelines, 2015. Collection method: not provided. Allele origin: germline. Inheritance: Autosomal recessive inheritance. Affected: yes.

PreventionGenetics, part of Exact Sciences
Classification: Benign. Review status: criteria provided, single submitter. Criteria: ACMG Guidelines, 2015. Collection method: clinical testing. Allele origin: germline.